The following is an entry in ClinVar:

ClinVar aggregate classification (germline): Pathogenic (1 of 4 stars; one submission).

Conditions:
Duchenne muscular dystrophy (DMD). Also called: Duchenne Muscular Dystrophy (DMD); MUSCULAR DYSTROPHY, PSEUDOHYPERTROPHIC PROGRESSIVE, DUCHENNE TYPE. Identifiers: Orphanet 98896, MedGen C0013264, MONDO:0010679, OMIM 310200.

Submission:

Labcorp Genetics (formerly Invitae), Labcorp
Classification: Pathogenic for Duchenne muscular dystrophy. Last evaluated: 2023-12-27. Review status: criteria provided, single submitter. Criteria: Invitae Variant Classification Sherloc (09022015). Collection method: clinical testing. Allele origin: germline.
Comment: This variant is a gross deletion of the genomic region encompassing exon(s) 50 of the DMD gene. This deletion is out-of-frame, and is expected to create a premature termination codon and result in an absent or disrupted protein product. Loss-of-function variants in DMD are known to be pathogenic (PMID: 16770791, 25007885). A similar copy number variant has been observed in individuals with DMD-related dystrophinopathies (PMID: 9028449, 15038390, 16566881, 18752307, 25482253). For these reasons, this variant has been classified as Pathogenic.

Literature cited by the submitters: PubMed 16770791; PubMed 25007885; PubMed 9028449; PubMed 15038390; PubMed 16566881; PubMed 18752307; PubMed 25482253.

NC_000023.11:g.(?_31819955)_(31820103_?)del

Gene: DMD (dystrophin; minus strand). Cytogenetic location: Xp21.1.
Variant type: Deletion.
Identifiers: ClinVar variation 526139 (VCV000526139.8).